The following is an entry in ClinVar:

NM_000535.7(PMS2):c.2226T>A (p.Asn742Lys)

Gene: PMS2 (PMS1 homolog 2, mismatch repair system component; minus strand). Cytogenetic location: 7p22.1.
Variant type: single nucleotide variant.
Coding change: c.2226T>A on transcript NM_000535.7 (MANE Select); coding-DNA position 2226, T replaced by A.
Protein change: p.Asn742Lys; replaces asparagine 742 with lysine.
Molecular consequence: missense variant. On other transcripts: non-coding transcript variant (1), intron variant (2).
Genome position (GRCh38, 1-based): chr7:5,978,645, A>T on the plus strand (T>A on the coding strand, the complement: PMS2 is on the minus strand). VCF-style: chr7-5978645-A-T. GRCh37 (hg19) VCF-style: chr7-6018276-A-T.
Other names: c.1917T>A, p.Asn639Lys (NM_001322015.2, NM_001406875.1, NM_001406877.1 and 5 more transcripts); c.2412T>A, p.Asn804Lys (NM_001406866.1); c.2250T>A, p.Asn750Lys (NM_001406868.1); c.2118T>A, p.Asn706Lys (NM_001406869.1); c.2070T>A, p.Asn690Lys (NM_001406870.1, NM_001322006.2); c.2058T>A, p.Asn686Lys (NM_001406872.1, NM_001406874.1); c.2028T>A, p.Asn676Lys (NM_001406873.1); c.1860T>A, p.Asn620Lys (NM_001406886.1); and 16 more; short protein forms N485K, N584K, N620K, N690K, N804K, N341K, N551K, N607K.
Identifiers: ClinVar variation 2758108 (VCV002758108.3), dbSNP rs786202755, ClinGen allele CA366736715.

ClinVar aggregate classification (germline): Uncertain significance (1 of 4 stars; one submission).

Conditions:
Hereditary nonpolyposis colorectal neoplasms. Identifiers: MedGen C0009405, MeSH D003123.

Submission:

Labcorp Genetics (formerly Invitae), Labcorp
Classification: Uncertain significance for Hereditary nonpolyposis colorectal neoplasms. Last evaluated: 2023-09-05. Review status: criteria provided, single submitter. Criteria: Invitae Variant Classification Sherloc (09022015). Collection method: clinical testing. Allele origin: germline.
Comment: This sequence change replaces asparagine, which is neutral and polar, with lysine, which is basic and polar, at codon 742 of the PMS2 protein (p.Asn742Lys). The frequency data for this variant in the population databases (gnomAD) is considered unreliable due to the presence of homologous sequence, such as pseudogenes or paralogs, in the genome. In summary, the available evidence is currently insufficient to determine the role of this variant in disease. Therefore, it has been classified as a Variant of Uncertain Significance. Advanced modeling of protein sequence and biophysical properties (such as structural, functional, and spatial information, amino acid conservation, physicochemical variation, residue mobility, and thermodynamic stability) performed at Invitae indicates that this missense variant is expected to disrupt PMS2 protein function. This variant has not been reported in the literature in individuals affected with PMS2-related conditions.